The following is an entry in ClinVar:

ClinVar aggregate classification (germline): Uncertain significance (1 of 4 stars; one submission).

Submission:

Labcorp Genetics (formerly Invitae), Labcorp
Classification: Uncertain significance. Last evaluated: 2025-06-01. Review status: criteria provided, single submitter. Criteria: Invitae Variant Classification Sherloc (09022015). Collection method: clinical testing. Allele origin: germline.
Comment: This sequence change replaces threonine, which is neutral and polar, with alanine, which is neutral and non-polar, at codon 332 of the CTNNB1 protein (p.Thr332Ala). This variant is not present in population databases (gnomAD no frequency). This variant has not been reported in the literature in individuals affected with CTNNB1-related conditions. Invitae Evidence Modeling of protein sequence and biophysical properties (such as structural, functional, and spatial information, amino acid conservation, physicochemical variation, residue mobility, and thermodynamic stability) indicates that this missense variant is not expected to disrupt CTNNB1 protein function with a negative predictive value of 80%. In summary, the available evidence is currently insufficient to determine the role of this variant in disease. Therefore, it has been classified as a Variant of Uncertain Significance.

NM_001904.4(CTNNB1):c.994A>G (p.Thr332Ala)

Gene: CTNNB1 (catenin beta 1; plus strand). Cytogenetic location: 3p22.1.
Variant type: single nucleotide variant.
Coding change: c.994A>G on transcript NM_001904.4 (MANE Select); coding-DNA position 994, A replaced by G.
Protein change: p.Thr332Ala; replaces threonine 332 with alanine.
Molecular consequence: missense variant.
Genome position (GRCh38, 1-based): chr3:41,227,265, A>G. VCF-style: chr3-41227265-A-G. GRCh37 (hg19) VCF-style: chr3-41268756-A-G.
Other names: c.994A>G, p.Thr332Ala (NM_001098209.2, NM_001098210.2, NM_001438871.1 and 4 more transcripts); c.973A>G, p.Thr325Ala (NM_001330729.2); short protein forms T325A, T332A.
Identifiers: ClinVar variation 4740340 (VCV004740340.1).